The following is an entry in ClinVar:

NM_000089.4(COL1A2):c.280-2del

Gene: COL1A2 (collagen type I alpha 2 chain; plus strand). Cytogenetic location: 7q21.3.
Variant type: Deletion.
Coding change: c.280-2del on transcript NM_000089.4 (MANE Select); the canonical splice acceptor site of the intron before coding-DNA position 280, one base deleted (A; older notation c.280-2delA).
Molecular consequence: splice acceptor variant.
Genome position (GRCh38, 1-based): chr7:94,404,554, A deleted. VCF-style (leftmost placement, unchanged base first): chr7-94404553-CA-C. GRCh37 (hg19) VCF-style: chr7-94033865-CA-C.
Identifiers: ClinVar variation 2112358 (VCV002112358.4), dbSNP rs2484699587, ClinGen allele CA2580077873.
Genomic context (GRCh38, chr7:94,404,553, plus strand): 5'-ACCCCAGCCAACACCATGACAACTTATCAGTGCTAACTGTTGATATATCTGCTTTCTTTA[CA>C]GGGCTTAATGGGACCTAGAGGCCCACCTGGTGCAGCTGGAGCCCCAGTAAGTACTGAAAG-3'

ClinVar aggregate classification (germline): Likely pathogenic (1 of 4 stars; one submission).

Conditions:
Ehlers-Danlos syndrome, classic type, 1 (EDSCL1). Also called: EHLERS-DANLOS SYNDROME, GRAVIS TYPE; EHLERS-DANLOS SYNDROME, SEVERE CLASSIC TYPE; Ehlers-Danlos syndrome, type 1; EDS I; Ehlers-Danlos Syndrome, Classic Type, COL5A1-Related. Identifiers: MedGen C0268335, MONDO:0019567, OMIM 130000.
Osteogenesis imperfecta type I (OI1). Also called: OI, TYPE I; OSTEOGENESIS IMPERFECTA TARDA; OSTEOGENESIS IMPERFECTA WITH BLUE SCLERAE; Osteogenesis imperfecta type 1; Lobstein's Disease; Lobstein disease. Identifiers: Orphanet 216796, Orphanet 666, MedGen C0023931, MONDO:0008146, OMIM 166200. Disease mechanism: loss of function.

Submission:

Labcorp Genetics (formerly Invitae), Labcorp
Classification: Likely pathogenic for Osteogenesis imperfecta type I; Ehlers-Danlos syndrome, classic type, 1. Last evaluated: 2023-11-10. Review status: criteria provided, single submitter. Criteria: Invitae Variant Classification Sherloc (09022015). Collection method: clinical testing. Allele origin: germline.
Comment: This sequence change affects a splice site in intron 6 of the COL1A2 gene. It is expected to disrupt RNA splicing. Variants that disrupt the donor or acceptor splice site typically lead to a loss of protein function (PMID: 16199547), and loss-of-function variants in COL1A2 are known to be pathogenic (PMID: 11288717, 15077201). This variant is not present in population databases (gnomAD no frequency). This variant has not been reported in the literature in individuals affected with COL1A2-related conditions. ClinVar contains an entry for this variant (Variation ID: 2112358). Algorithms developed to predict the effect of sequence changes on RNA splicing suggest that this variant may disrupt the consensus splice site. In summary, the currently available evidence indicates that the variant is pathogenic, but additional data are needed to prove that conclusively. Therefore, this variant has been classified as Likely Pathogenic.

Literature cited by the submitters: PubMed 16199547; PubMed 11288717; PubMed 15077201.